The following is an entry in ClinVar:

NM_004006.3(DMD):c.9888C>T (p.Pro3296=)

Gene: DMD (dystrophin; minus strand). Cytogenetic location: Xp21.2.
Variant type: single nucleotide variant.
Coding change: c.9888C>T on transcript NM_004006.3 (MANE Select); coding-DNA position 9888, C replaced by T.
Protein change: p.Pro3296=; no amino-acid change (proline 3296 retained).
Molecular consequence: synonymous variant.
Genome position (GRCh38, 1-based): chrX:31,182,824, G>A on the plus strand (C>T on the coding strand, the complement: DMD is on the minus strand). VCF-style: chrX-31182824-G-A. GRCh37 (hg19) VCF-style: chrX-31200941-G-A.
Other names: c.9864C>T, p.Pro3288= (NM_000109.4); c.9876C>T, p.Pro3292= (NM_004009.3); c.9519C>T, p.Pro3173= (NM_004010.3); c.5865C>T, p.Pro1955= (NM_004011.4); c.5856C>T, p.Pro1952= (NM_004012.4); c.2508C>T, p.Pro836= (NM_004013.3, NM_004020.4, NM_004021.3 and 2 more transcripts); c.1701C>T, p.Pro567= (NM_004014.3); c.684C>T, p.Pro228= (NM_004015.3, NM_004016.3, NM_004017.3 and 2 more transcripts).
Identifiers: ClinVar variation 290614 (VCV000290614.28), dbSNP rs146543659, ClinGen allele CA10377728.

ClinVar aggregate classification (germline): Conflicting classifications of pathogenicity. Review status: criteria provided, conflicting classifications (1 of 4 stars). 5 submissions from 5 submitters: Uncertain significance (1); Benign (1); Likely benign (2). 1 of the submissions does not count toward it. Last evaluated 2026-01-28.

Conditions:
Becker muscular dystrophy (BMD). Also called: Becker Muscular Dystrophy (BMD); MUSCULAR DYSTROPHY, PSEUDOHYPERTROPHIC PROGRESSIVE, BECKER TYPE. Identifiers: Orphanet 98895, MedGen C0917713, MONDO:0010311, OMIM 300376.
Dystrophin deficiency.
Duchenne muscular dystrophy (DMD). Also called: MUSCULAR DYSTROPHY, PSEUDOHYPERTROPHIC PROGRESSIVE, DUCHENNE TYPE; Duchenne Muscular Dystrophy (DMD). Identifiers: Orphanet 98896, MedGen C0013264, MONDO:0010679, OMIM 310200.
Cardiomyopathy (CMYO). Also called: Cardiomyopathies. Identifiers: Orphanet 167848, MedGen C0878544, MONDO:0004994, HP:0001638. Inheritance: Various modes of inheritance.
Cardiovascular phenotype. Identifiers: MedGen CN230736.

Allele frequency attached by ClinVar (database versions not stated): gnomAD 0.00009; ExAC 0.00010; gnomAD exomes 0.00012; TOPMed 0.00016; ESP Exome Variant Server 0.00038.
gnomAD v4.1: 106 of 1,205,698 alleles (0.0088%); highest among the groups gnomAD compares: East Asian, 0.015%; no homozygotes.

Submissions (5):

Labcorp Genetics (formerly Invitae), Labcorp
Classification: Benign for Duchenne muscular dystrophy. Last evaluated: 2026-01-28. Review status: criteria provided, single submitter. Criteria: Invitae Variant Classification Sherloc (09022015). Collection method: clinical testing. Allele origin: germline.

CeGaT Center for Human Genetics Tuebingen
Classification: Likely benign. Last evaluated: 2025-06-01. Review status: criteria provided, single submitter. Criteria: CeGaT Center For Human Genetics Tuebingen Variant Classification Criteria Version 2. Collection method: clinical testing. Allele origin: germline. Affected: yes. Observed: 1 variant allele.
Comment: DMD: BP4, BP7, BS2

Ambry Genetics
Classification: Likely benign for Cardiovascular phenotype. Last evaluated: 2022-05-02. Review status: criteria provided, single submitter. Criteria: Ambry Variant Classification Scheme 2023. Collection method: clinical testing. Allele origin: germline.

Eurofins Ntd Llc (ga)
Classification: Uncertain significance. Last evaluated: 2016-08-29. Review status: criteria provided, single submitter. Criteria: EGL Classification Definitions 2015. Collection method: clinical testing. Allele origin: germline. Observed: 1 variant allele, 1 hemizygote.

Natera, Inc.
Classification: Likely benign for Becker muscular dystrophy; Cardiomyopathy; Duchenne muscular dystrophy; Dystrophin deficiency. Last evaluated: 2019-07-15. Review status: no assertion criteria provided. Collection method: clinical testing. Allele origin: germline. Not counted in ClinVar's aggregate classification.